The following is an entry in ClinVar:

ClinVar aggregate classification (germline): Benign. Review status: criteria provided, multiple submitters, no conflicts (2 of 4 stars). 11 submissions from 11 submitters: Benign (9). 2 of the submissions do not count toward it. Last evaluated 2026-02-04.

Conditions:
Autosomal recessive nonsyndromic hearing loss 3. Also called: NEUROSENSORY NONSYNDROMIC RECESSIVE DEAFNESS 3. Identifiers: Orphanet 90636, MedGen C1838263, MONDO:0010860, OMIM 600316.

Allele frequency attached by ClinVar (database versions not stated): 1000 Genomes Project 0.47863; 1000 Genomes Project 30x 0.47908; ESP Exome Variant Server 0.50139; TOPMed 0.51353; gnomAD 0.51745 and 0.52028; ExAC 0.51940; gnomAD exomes 0.53181 and 0.53623.
gnomAD v4.1: 862,166 of 1,613,386 alleles (53%); highest among the groups gnomAD compares: Admixed American, 62%; 233,604 homozygotes.

Submissions (11):

Labcorp Genetics (formerly Invitae), Labcorp
Classification: Benign. Last evaluated: 2026-02-04. Review status: criteria provided, single submitter. Criteria: Invitae Variant Classification Sherloc (09022015). Collection method: clinical testing. Allele origin: germline.

Women's Health and Genetics/Laboratory Corporation of America, LabCorp
Classification: Benign. Last evaluated: 2026-01-08. Review status: criteria provided, single submitter. Criteria: LabCorp Variant Classification Summary - May 2015. Collection method: clinical testing. Allele origin: germline.

Genome-Nilou Lab
Classification: Benign for Autosomal recessive nonsyndromic hearing loss 3. Last evaluated: 2021-09-05. Review status: criteria provided, single submitter. Criteria: ACMG Guidelines, 2015. Collection method: clinical testing. Allele origin: germline. Affected: no.

Mayo Clinic Laboratories, Mayo Clinic
Classification: Benign. Last evaluated: 2020-10-02. Review status: criteria provided, single submitter. Criteria: ACMG Guidelines, 2015. Collection method: clinical testing. Allele origin: germline. Observed: 126 variant alleles.

Illumina Laboratory Services, Illumina
Classification: Benign for Autosomal recessive nonsyndromic hearing loss 3. Last evaluated: 2018-01-12. Review status: criteria provided, single submitter. Criteria: ICSL Variant Classification Criteria 13 December 2019. Collection method: clinical testing. Allele origin: germline.
Comment: This variant was observed in the ICSL laboratory as part of a predisposition screen in an ostensibly healthy population. It had not been previously curated by ICSL or reported in the Human Gene Mutation Database (HGMD: prior to June 1st, 2018), and was therefore a candidate for classification through an automated scoring system. Utilizing variant allele frequency, disease prevalence and penetrance estimates, and inheritance mode, an automated score was calculated to assess if this variant is too frequent to cause the disease. Based on the score and internal cut-off values, a variant classified as benign is not then subjected to further curation. The score for this variant resulted in a classification of benign for this disease.

GeneDx
Classification: Benign. Last evaluated: 2017-05-09. Review status: criteria provided, single submitter. Criteria: GeneDx Variant Classification (06012015). Collection method: clinical testing. Allele origin: germline. Affected: yes.
Comment: This variant is considered likely benign or benign based on one or more of the following criteria: it is a conservative change, it occurs at a poorly conserved position in the protein, it is predicted to be benign by multiple in silico algorithms, and/or has population frequency not consistent with disease.

Laboratory for Molecular Medicine, Mass General Brigham Personalized Medicine
Classification: Benign. Last evaluated: 2012-05-07. Review status: criteria provided, single submitter. Criteria: LMM Criteria. Collection method: clinical testing. Allele origin: germline. Observed: 807 variant alleles.
Comment: "Leu1652Leu in Exon 17 of MYO15A: This variant is not expected to have clinical significance because it does not alter an amino acid residue, is not located wit hin the splice consensus sequence, and has been identified in 47.4% (3316/6998) of European American chromosomes from a broad population by the NHLBI Exome Sequ encing Project (dbSNP rs2280777)."

Breakthrough Genomics
Classification: Benign. Review status: criteria provided, single submitter. Criteria: ACMG Guidelines, 2015. Collection method: not provided. Allele origin: germline. Inheritance: Autosomal recessive inheritance. Affected: yes.

PreventionGenetics, part of Exact Sciences
Classification: Benign. Review status: criteria provided, single submitter. Criteria: ACMG Guidelines, 2015. Collection method: clinical testing. Allele origin: germline.

Diagnostic Laboratory, Department of Genetics, University Medical Center Groningen
Classification: Benign. Review status: no assertion criteria provided. Collection method: clinical testing. Allele origin: germline. Affected: yes. Study: VKGL Data-share Consensus. Not counted in ClinVar's aggregate classification.

Joint Genome Diagnostic Labs from Nijmegen and Maastricht, Radboudumc and MUMC+
Classification: Benign. Review status: no assertion criteria provided. Collection method: clinical testing. Allele origin: germline. Affected: yes. Study: VKGL Data-share Consensus. Not counted in ClinVar's aggregate classification.

NM_016239.4(MYO15A):c.4954C>T (p.Leu1652=)

Gene: MYO15A (myosin XVA; plus strand). Cytogenetic location: 17p11.2.
Variant type: single nucleotide variant.
Coding change: c.4954C>T on transcript NM_016239.4 (MANE Select); coding-DNA position 4954, C replaced by T.
Protein change: p.Leu1652=; no amino-acid change (leucine 1652 retained).
Molecular consequence: synonymous variant.
Genome position (GRCh38, 1-based): chr17:18,138,193, C>T. VCF-style: chr17-18138193-C-T. GRCh37 (hg19) VCF-style: chr17-18041507-C-T.
Other names: p.Leu1652=.
Identifiers: ClinVar variation 226788 (VCV000226788.26), dbSNP rs2280777, ClinGen allele CA8424091.
Genomic context (GRCh38, chr17:18,138,193, plus strand): 5'-CAGATAGACTGGCAGGAGATCACCTTTGCTGACAACCAGCCCTGCATCAACCTCATCTCA[C>T]TGAAGCCTTATGGCATCCTGCGGATCCTTGACGACCAGTGTTGCTTTCCCCAGGTGAGCC-3'
Protein context (NP_057323.3, residues 1642-1662): DNQPCINLIS[Leu1652=]KPYGILRILD